The following is an entry in ClinVar:

NM_001042492.3(NF1):c.4880T>G (p.Val1627Gly)

Gene: NF1 (neurofibromin 1; plus strand). Cytogenetic location: 17q11.2.
Variant type: single nucleotide variant.
Coding change: c.4880T>G on transcript NM_001042492.3 (MANE Select); coding-DNA position 4880, T replaced by G.
Protein change: p.Val1627Gly; replaces valine 1627 with glycine.
Molecular consequence: missense variant.
Genome position (GRCh38, 1-based): chr17:31,325,864, T>G. VCF-style: chr17-31325864-T-G. GRCh37 (hg19) VCF-style: chr17-29652882-T-G.
Other names: c.4817T>G, p.Val1606Gly (NM_000267.4); short protein forms V1606G, V1627G.
Identifiers: ClinVar variation 1384893 (VCV001384893.6), dbSNP rs1567611231, ClinGen allele CA399007023.
Genomic context (GRCh38, chr17:31,325,864, plus strand): 5'-TTGTCATTTTCCTTAGGTTCAAAACTGGTCAAATCAATGGTGATTTGCTGATATACCATG[T>G]CTTACTGACTTTAAAGCCATATTATGCAAAGCCATATGAAATTGTAGTGGACCTTACCCA-3'
Protein context (NP_001035957.1, residues 1617-1637): QINGDLLIYH[Val1627Gly]LLTLKPYYAK

ClinVar aggregate classification (germline): Uncertain significance (1 of 4 stars; one submission).

Conditions:
Neurofibromatosis, type 1 (NF1). Also called: VON RECKLINGHAUSEN DISEASE; Peripheral type neurofibromatosis; Neurofibromatosis, type I; NEUROFIBROMATOSIS, TYPE I, SOMATIC. Identifiers: Orphanet 636, MedGen C0027831, MONDO:0018975, OMIM 162200. Disease mechanism: loss of function.

Submission:

Labcorp Genetics (formerly Invitae), Labcorp
Classification: Uncertain significance for Neurofibromatosis, type 1. Last evaluated: 2021-10-06. Review status: criteria provided, single submitter. Criteria: Invitae Variant Classification Sherloc (09022015). Collection method: clinical testing. Allele origin: germline.
Comment: This sequence change replaces valine with glycine at codon 1606 of the NF1 protein (p.Val1606Gly). The valine residue is moderately conserved and there is a moderate physicochemical difference between valine and glycine. In summary, the available evidence is currently insufficient to determine the role of this variant in disease. Therefore, it has been classified as a Variant of Uncertain Significance. This variant disrupts the p.Val1606 amino acid residue in NF1. Other variant(s) that disrupt this residue have been determined to be pathogenic (PMID: 31766501). This suggests that this residue is clinically significant, and that variants that disrupt this residue are likely to be disease-causing. Advanced modeling of protein sequence and biophysical properties (such as structural, functional, and spatial information, amino acid conservation, physicochemical variation, residue mobility, and thermodynamic stability) performed at Invitae indicates that this missense variant is expected to disrupt NF1 protein function. This variant has not been reported in the literature in individuals affected with NF1-related conditions. This variant is not present in population databases (ExAC no frequency).

Literature cited by the submitters: PubMed 31766501.